The following is an entry in ClinVar:

NM_003906.5(MCM3AP):c.1835A>T (p.Gln612Leu)

Gene: MCM3AP (minichromosome maintenance complex component 3 associated protein; minus strand). Cytogenetic location: 21q22.3.
Variant type: single nucleotide variant.
Coding change: c.1835A>T on transcript NM_003906.5 (MANE Select); coding-DNA position 1835, A replaced by T.
Protein change: p.Gln612Leu; replaces glutamine 612 with leucine.
Molecular consequence: missense variant.
Genome position (GRCh38, 1-based): chr21:46,277,550, T>A on the plus strand (A>T on the coding strand, the complement: MCM3AP is on the minus strand). VCF-style: chr21-46277550-T-A. GRCh37 (hg19) VCF-style: chr21-47697464-T-A.
Other names: short protein forms Q612L.
Identifiers: ClinVar variation 1496806 (VCV001496806.6), dbSNP rs2145708330, ClinGen allele CA410527503.
Genomic context (GRCh38, chr21:46,277,550, plus strand): 5'-ACCAGGCCCCTAGAACCTCTGCCACCAAGTGCCATACCTTGCCGCATGATCCTGTCTCTC[T>A]GGTCAAGCAGGCGGTACTTCTCCTTGGATGTCTCAGCCACAGTGCCTATCAGGGTACTGA-3'
Protein context (NP_003897.2, residues 602-622): TSKEKYRLLD[Gln612Leu]RDRIMRQARV

ClinVar aggregate classification (germline): Uncertain significance (1 of 4 stars; one submission).

Submission:

Labcorp Genetics (formerly Invitae), Labcorp
Classification: Uncertain significance. Last evaluated: 2021-09-23. Review status: criteria provided, single submitter. Criteria: Invitae Variant Classification Sherloc (09022015). Collection method: clinical testing. Allele origin: germline.
Comment: Algorithms developed to predict the effect of missense changes on protein structure and function (SIFT, PolyPhen-2, Align-GVGD) all suggest that this variant is likely to be disruptive. This sequence change replaces glutamine with leucine at codon 612 of the MCM3AP protein (p.Gln612Leu). The glutamine residue is highly conserved and there is a moderate physicochemical difference between glutamine and leucine. This variant is not present in population databases (ExAC no frequency). This variant has not been reported in the literature in individuals affected with MCM3AP-related conditions. In summary, the available evidence is currently insufficient to determine the role of this variant in disease. Therefore, it has been classified as a Variant of Uncertain Significance.